The following is an entry in ClinVar:

NM_152296.5(ATP1A3):c.130A>T (p.Lys44Ter)

Gene: ATP1A3 (ATPase Na+/K+ transporting subunit alpha 3; minus strand). Cytogenetic location: 19q13.2.
Variant type: single nucleotide variant.
Coding change: c.130A>T on transcript NM_152296.5 (MANE Select); coding-DNA position 130, A replaced by T.
Protein change: p.Lys44Ter; replaces lysine 44 with a stop codon.
Molecular consequence: nonsense.
Genome position (GRCh38, 1-based): chr19:41,988,341, T>A on the plus strand (A>T on the coding strand, the complement: ATP1A3 is on the minus strand). VCF-style: chr19-41988341-T-A. GRCh37 (hg19) VCF-style: chr19-42492493-T-A.
Other names: c.163A>T, p.Lys55Ter (NM_001256213.2); c.169A>T, p.Lys57Ter (NM_001256214.2); short protein forms K44*, K55*, K57*.
Identifiers: ClinVar variation 3602350 (VCV003602350.1).

ClinVar aggregate classification (germline): Uncertain significance (1 of 4 stars; one submission).

Submission:

GeneDx
Classification: Uncertain significance. Last evaluated: 2024-08-01. Review status: criteria provided, single submitter. Criteria: GeneDx Variant Classification Process June 2021. Collection method: clinical testing. Allele origin: germline. Affected: yes.
Comment: Not observed at significant frequency in large population cohorts (gnomAD); Nonsense variant predicted to result in protein truncation or nonsense mediated decay in a gene or region of a gene for which loss of function is not a well-established mechanism of disease; Has not been previously published as pathogenic or benign to our knowledge